The following is an entry in ClinVar:

NM_000186.4(CFH):c.1832G>A (p.Cys611Tyr)

Gene: CFH (complement factor H; plus strand). Cytogenetic location: 1q31.3.
Variant type: single nucleotide variant.
Coding change: c.1832G>A on transcript NM_000186.4 (MANE Select); coding-DNA position 1832, G replaced by A.
Protein change: p.Cys611Tyr; replaces cysteine 611 with tyrosine.
Molecular consequence: missense variant.
Genome position (GRCh38, 1-based): chr1:196,725,256, G>A. VCF-style: chr1-196725256-G-A. GRCh37 (hg19) VCF-style: chr1-196694386-G-A.
Other names: short protein forms C611Y.
Identifiers: ClinVar variation 1696102 (VCV001696102.3), dbSNP rs2149108011, ClinGen allele CA343986436.

ClinVar aggregate classification (germline): Conflicting classifications of pathogenicity. Review status: criteria provided, conflicting classifications (1 of 4 stars). 2 submissions from 2 submitters: Likely pathogenic, low penetrance (1); Uncertain significance (1). Last evaluated 2025-10-02.

Conditions:
Atypical hemolytic-uremic syndrome. Identifiers: Orphanet 2134, MedGen C2931788, MONDO:0016244.

Submissions (2):

Genomenon, Inc
Classification: Likely pathogenic, low penetrance for Atypical hemolytic-uremic syndrome. Last evaluated: 2025-10-02. Review status: criteria provided, single submitter. Criteria: Genomenon Sequence Variant Interpretation Standards - Updated. Collection method: curation. Allele origin: germline. Affected: yes.
Comment: CFH p.Cys611Tyr (c.1832G>A) is a missense variant that changes the amino acid at residue 611 from Cysteine to Tyrosine. This variant has been observed in at least one proband affected with atypical hemolytic-uremic syndrome (PMID:29046944;24853860;21877169). It is absent or not present at a significant frequency in gnomAD. In silico models agree that this variant is possibly or probably damaging. In conclusion, we classify CFH p.Cys611Tyr (c.1832G>A) as a likely pathogenic, low penetrance variant.

Women's Health and Genetics/Laboratory Corporation of America, LabCorp
Classification: Uncertain significance. Last evaluated: 2022-05-24. Review status: criteria provided, single submitter. Criteria: LabCorp Variant Classification Summary - May 2015. Collection method: clinical testing. Allele origin: germline.
Comment: Variant summary: CFH c.1832G>A (p.Cys611Tyr) results in a non-conservative amino acid change located in the Sushi/SCR/CCP domain (IPR000436) of the encoded protein sequence. Five of five in-silico tools predict a damaging effect of the variant on protein function. The variant was absent in 251008 control chromosomes (gnomAD). c.1832G>A has been reported in the literature in individuals affected with atypical Hemolytic Uremic Syndrome (Tschumi_2011, Ardissino_2018). These data indicate that the variant may be associated with disease. To our knowledge, no experimental evidence demonstrating an impact on protein function has been reported. No clinical diagnostic laboratories have submitted clinical-significance assessments for this variant to ClinVar after 2014. Based on the evidence outlined above, the variant was classified as VUS-possibly pathogenic.

Literature cited by the submitters: PubMed 29046944 (cited by Genomenon, Inc and Women's Health and Genetics/Laboratory Corporation of America, LabCorp); PubMed 24853860 (cited by Genomenon, Inc); PubMed 21877169 (cited by Genomenon, Inc and Women's Health and Genetics/Laboratory Corporation of America, LabCorp); PubMed 23364625 (cited by Genomenon, Inc); PubMed 23810412 (cited by Genomenon, Inc); PubMed 34169201 (cited by Women's Health and Genetics/Laboratory Corporation of America, LabCorp).